The following is an entry in ClinVar:

NM_002519.3(NPAT):c.275C>T (p.Thr92Ile)

Gene: NPAT (nuclear protein, coactivator of histone transcription; minus strand). Cytogenetic location: 11q22.3.
Variant type: single nucleotide variant.
Coding change: c.275C>T on transcript NM_002519.3 (MANE Select); coding-DNA position 275, C replaced by T.
Protein change: p.Thr92Ile; replaces threonine 92 with isoleucine.
Molecular consequence: missense variant.
Genome position (GRCh38, 1-based): chr11:108,192,133, G>A on the plus strand (C>T on the coding strand, the complement: NPAT is on the minus strand). VCF-style: chr11-108192133-G-A. GRCh37 (hg19) VCF-style: chr11-108062860-G-A.
Other names: c.275C>T, p.Thr92Ile (NM_001321307.1); short protein forms T92I.
Identifiers: ClinVar variation 1795662 (VCV001795662.2), dbSNP rs1192430472, ClinGen allele CA382526543.

ClinVar aggregate classification (germline): Uncertain significance (1 of 4 stars; one submission).

Allele frequency attached by ClinVar (database versions not stated): gnomAD exomes below 0.00001; TOPMed 0.00001; gnomAD 0.00004.
gnomAD v4.1: 7 of 1,600,460 alleles (0.00044%); highest among the groups gnomAD compares: African/African-American, 0.0027%; no homozygotes.

Submission:

Ambry Genetics
Classification: Uncertain significance. Last evaluated: 2023-12-22. Review status: criteria provided, single submitter. Criteria: Ambry Variant Classification Scheme 2023. Collection method: clinical testing. Allele origin: germline.
Comment: The p.T92I variant (also known as c.275C>T), located in coding exon 4 of the NPAT gene, results from a C to T substitution at nucleotide position 275. The threonine at codon 92 is replaced by isoleucine, an amino acid with similar properties. This amino acid position is conserved. In addition, this alteration is predicted to be tolerated by in silico analysis. Since supporting evidence is limited at this time, the clinical significance of this alteration remains unclear.